The following is an entry in ClinVar:

ClinVar aggregate classification (germline): Uncertain significance. Review status: criteria provided, multiple submitters, no conflicts (2 of 4 stars). 2 submissions from 2 submitters: Uncertain significance (2). Last evaluated 2026-06-16.

Conditions:
ADCY3-related disorder. Also called: ADCY3-related condition.
Inborn genetic diseases. Identifiers: MedGen C0950123, MeSH D030342.

gnomAD v4.1: 150 of 1,612,762 alleles (0.0093%); highest among the groups gnomAD compares: Middle Eastern, 0.016%; no homozygotes.

Submissions (2):

PreventionGenetics, part of Exact Sciences
Classification: Uncertain significance for ADCY3-related condition. Last evaluated: 2026-06-16. Review status: criteria provided, single submitter. Criteria: ACMG Guidelines, 2015. Collection method: clinical testing. Allele origin: germline.
Comment: The ADCY3 c.89G>A variant is predicted to result in the amino acid substitution p.Arg30His. To our knowledge, this variant has not been reported in the literature. This variant is reported in 0.0084% of alleles in individuals of African descent in gnomAD. At this time, the clinical significance of this variant is uncertain due to the absence of conclusive functional and genetic evidence.

Ambry Genetics
Classification: Uncertain significance for Inborn genetic diseases. Last evaluated: 2024-04-22. Review status: criteria provided, single submitter. Criteria: Ambry Variant Classification Scheme 2023. Collection method: clinical testing. Allele origin: germline.

NM_004036.5(ADCY3):c.89G>A (p.Arg30His)

Gene: ADCY3 (adenylate cyclase 3; minus strand). Cytogenetic location: 2p23.3.
Variant type: single nucleotide variant.
Coding change: c.89G>A on transcript NM_004036.5 (MANE Select); coding-DNA position 89, G replaced by A.
Protein change: p.Arg30His; replaces arginine 30 with histidine.
Molecular consequence: missense variant.
Genome position (GRCh38, 1-based): chr2:24,918,899, C>T on the plus strand (G>A on the coding strand, the complement: ADCY3 is on the minus strand). VCF-style: chr2-24918899-C-T. GRCh37 (hg19) VCF-style: chr2-25141768-C-T.
Other names: c.89G>A, p.Arg30His (NM_001320613.2, NM_001377128.1, NM_001377129.1 and 2 more transcripts); c.89G>A (NM_001320613.1); short protein forms R30H.
Identifiers: ClinVar variation 3269335 (VCV003269335.3).